The following is an entry in ClinVar:

NM_001267550.2(TTN):c.27155G>C (p.Trp9052Ser)

Gene: TTN (titin; minus strand). Cytogenetic location: 2q31.2.
Variant type: single nucleotide variant.
Coding change: c.27155G>C on transcript NM_001267550.2 (MANE Select); coding-DNA position 27155, G replaced by C.
Protein change: p.Trp9052Ser; replaces tryptophan 9052 with serine.
Molecular consequence: missense variant. On other transcripts: intron variant (3).
Genome position (GRCh38, 1-based): chr2:178,712,870, C>G on the plus strand (G>C on the coding strand, the complement: TTN is on the minus strand). VCF-style: chr2-178712870-C-G. GRCh37 (hg19) VCF-style: chr2-179577597-C-G.
Other names: p.W8735S:TGG>TCG; c.26204G>C, p.Trp8735Ser (NM_001256850.1); c.23423G>C, p.Trp7808Ser (NM_133378.4); c.13282+25212G>C (NM_003319.4); c.13858+25212G>C (NM_133437.4); c.13657+25212G>C (NM_133432.3); short protein forms W8735S, W9052S, W7808S.
Identifiers: ClinVar variation 203349 (VCV000203349.2), dbSNP rs769663130, ClinGen allele CA312115.

ClinVar aggregate classification (germline): Uncertain significance (1 of 4 stars; one submission).

Allele frequency attached by ClinVar (database versions not stated): gnomAD exomes below 0.00001; ExAC 0.00001.
gnomAD v4.1: 5 of 1,613,720 alleles (0.00031%); highest among the groups gnomAD compares: Non-Finnish European, 0.00042%; no homozygotes.

Submission:

GeneDx
Classification: Uncertain significance. Last evaluated: 2014-04-22. Review status: criteria provided, single submitter. Criteria: GeneDx Variant Classification (06012015). Collection method: clinical testing. Allele origin: germline. Affected: yes.
Comment: Missense variants in the TTN gene are considered 'unclassified' if they are not previously reported in the literature and do not have >1% frequency in the population to be considered a polymorphism. Research indicates that truncating mutations in the TTN gene are expected to account for approximately 25% of familial and 18% of sporadic idiopathic DCM; however, truncating variants in the TTN gene have been reported in approximately 3% of reported control alleles. There has been little investigation into non-truncating variants. (Herman D et al. Truncations of titin causing dilated cardiomyopathy. N Eng J Med 366:619-628, 2012) The variant is found in CARDIOMYOPATHY panel(s).